The following is an entry in ClinVar:

ClinVar aggregate classification (germline): Likely pathogenic (1 of 4 stars; one submission).

Conditions:
Intellectual developmental disorder with autism and macrocephaly. Also called: Autism, susceptibility to, 18; CHD8-Related Neurodevelopmental Disorder with Overgrowth. Identifiers: Orphanet 642675, MedGen C3554373, MONDO:0014017, OMIM 615032.

Submission:

Variantyx, Inc.
Classification: Likely pathogenic for Intellectual developmental disorder with autism and macrocephaly. Last evaluated: 2025-07-31. Review status: criteria provided, single submitter. Criteria: Variantyx Assertion Criteria 2022. Collection method: clinical testing. Allele origin: germline. Inheritance: Autosomal dominant inheritance. Affected: yes.
Comment: This is a frameshift variant in the CHD8 gene (OMIM: 610528). Pathogenic variants in this gene have been associated with autosomal dominant intellectual developmental disorder with autism and macrocephaly. This variant introduces a premature termination codon in exon 2 out of 38 and is expected to result in loss of function, which is a known disease mechanism for CHD8 in this disorder (PMID: 23160955, 24998929, 27824329) (PVS1). This variant is absent from control populations (PM2). Based on the current evidence, this variant is classified as likely pathogenic for autosomal dominant intellectual developmental disorder with autism and macrocephaly.

Literature cited by the submitters: PubMed 23160955; PubMed 24998929; PubMed 27824329.

NM_001170629.2(CHD8):c.446_447insTACTATAGGTGCACTGG (p.Gly150fs)

Gene: CHD8 (chromodomain helicase DNA binding protein 8; minus strand). Cytogenetic location: 14q11.2.
Variant type: Insertion.
Coding change: c.446_447insTACTATAGGTGCACTGG on transcript NM_001170629.2 (MANE Select); coding-DNA positions 446 to 447, TACTATAGGTGCACTGG inserted.
Protein change: p.Gly150fs; shifts the reading frame from glycine 150.
Molecular consequence: frameshift variant. On other transcripts: intron variant (1).
Genome position: GRCh38 VCF-style: chr14-21431197-T-TCCAGTGCACCTATAGTA. GRCh37 (hg19) VCF-style: chr14-21899356-T-TCCAGTGCACCTATAGTA.
Other names: c.6+613_6+614insCTGGTACTATAGGTGCA (NM_020920.4); short protein forms G150fs.
Identifiers: ClinVar variation 4849969 (VCV004849969.1).